The following is an entry in ClinVar:

ClinVar aggregate classification (germline): Conflicting classifications of pathogenicity. Review status: criteria provided, conflicting classifications (1 of 4 stars). 7 submissions from 7 submitters: Uncertain significance (6); Likely benign (1). Last evaluated 2026-08-01.

Conditions:
FLNC-related disorder. Also called: FLNC-related disorders; FLNC-related condition.
Myofibrillar myopathy 5. Also called: FILAMINOPATHY, AUTOSOMAL DOMINANT; Filaminopathy (type). Identifiers: Orphanet 171445, MedGen C1836050, MONDO:0012289, OMIM 609524.
Hypertrophic cardiomyopathy 26. Also called: Cardiomyopathy, familial hypertrophic, 26. Identifiers: Orphanet 75249, MedGen C4310749, MONDO:0014883, OMIM 617047.
Distal myopathy with posterior leg and anterior hand involvement. Also called: WILLIAMS DISTAL MYOPATHY. Identifiers: Orphanet 63273, MedGen C3279722, MONDO:0013550, OMIM 614065.
Cardiovascular phenotype. Identifiers: MedGen CN230736.

Allele frequency attached by ClinVar (database versions not stated): ExAC 0.00001; gnomAD exomes 0.00001; TOPMed 0.00003; gnomAD 0.00004; 1000 Genomes Project 30x 0.00016; 1000 Genomes Project 0.00020.
gnomAD v4.1: 26 of 1,612,490 alleles (0.0016%); highest among the groups gnomAD compares: African/African-American, 0.013%; no homozygotes.

Submissions (7):

PreventionGenetics, part of Exact Sciences
Classification: Uncertain significance for FLNC-related condition. Last evaluated: 2026-08-01. Review status: criteria provided, single submitter. Criteria: ACMG Guidelines, 2015. Collection method: clinical testing. Allele origin: germline.
Comment: The FLNC c.7229G>A variant is predicted to result in the amino acid substitution p.Arg2410His. To our knowledge, this variant has not been reported in the literature. This variant is reported in 0.017% of alleles in individuals of African descent in gnomAD. At this time, the clinical significance of this variant is uncertain due to the absence of conclusive functional and genetic evidence.

GeneDx
Classification: Uncertain significance. Last evaluated: 2026-06-29. Review status: criteria provided, single submitter. Criteria: GeneDx Variant Classification Process June 2021. Collection method: clinical testing. Allele origin: germline.
Comment: In silico analysis supports that this missense variant has a deleterious effect on protein structure/function; Has not been previously published as pathogenic or benign to our knowledge; This variant is associated with the following publications: (PMID: 30681346)

Labcorp Genetics (formerly Invitae), Labcorp
Classification: Likely benign for Distal myopathy with posterior leg and anterior hand involvement; Myofibrillar myopathy 5; Hypertrophic cardiomyopathy 26. Last evaluated: 2025-12-02. Review status: criteria provided, single submitter. Criteria: Invitae Variant Classification Sherloc (09022015). Collection method: clinical testing. Allele origin: germline.

Molecular Diagnostic Laboratory for Inherited Cardiovascular Disease, Montreal Heart Institute
Classification: Uncertain significance for Cardiovascular phenotype. Last evaluated: 2025-04-09. Review status: criteria provided, single submitter. Criteria: ACMG Guidelines, 2015. Collection method: clinical testing. Allele origin: germline. Affected: yes.
Comment: PM2;PP3

Ambry Genetics
Classification: Uncertain significance for Cardiovascular phenotype. Last evaluated: 2024-11-14. Review status: criteria provided, single submitter. Criteria: Ambry Variant Classification Scheme 2023. Collection method: clinical testing. Allele origin: germline.
Comment: The p.R2410H variant (also known as c.7229G>A), located in coding exon 43 of the FLNC gene, results from a G to A substitution at nucleotide position 7229. The arginine at codon 2410 is replaced by histidine, an amino acid with highly similar properties. This amino acid position is highly conserved in available vertebrate species. In addition, the in silico prediction for this alteration is inconclusive. Since supporting evidence is limited at this time, the clinical significance of this alteration remains unclear.

Center for Genomics, Ann and Robert H. Lurie Children's Hospital of Chicago
Classification: Uncertain significance for Hypertrophic cardiomyopathy 26; Distal myopathy with posterior leg and anterior hand involvement; Myofibrillar myopathy 5. Last evaluated: 2021-03-30. Review status: criteria provided, single submitter. Criteria: ACMG Guidelines, 2015. Collection method: clinical testing. Allele origin: germline.
Comment: FLNC NM_001458.4 exon 43 p.Arg2410His (c.7229G>A): This variant has not been reported in the literature and is present in 0.01% (4/24180) of African alleles in the Genome Aggregation Database. This variant is present in ClinVar (Variation ID:472164). Evolutionary conservation and computational predictive tools suggest that this variant may impact the protein. In summary, data on this variant is insufficient for disease classification. Therefore, the clinical significance of this variant is uncertain.

Revvity Omics, Revvity
Classification: Uncertain significance. Last evaluated: 2019-05-22. Review status: criteria provided, single submitter. Criteria: ACMG Guidelines, 2015. Collection method: clinical testing. Allele origin: germline.

Literature cited by the submitters: PubMed 30418145 (cited by Ambry Genetics).

NM_001458.5(FLNC):c.7229G>A (p.Arg2410His)

Genes: FLNC (filamin C; plus strand), FLNC-AS1 (FLNC antisense RNA 1; minus strand). Cytogenetic location: 7q32.1.
Variant type: single nucleotide variant.
Coding change: c.7229G>A on transcript NM_001458.5 (MANE Select); coding-DNA position 7229, G replaced by A.
Protein change: p.Arg2410His; replaces arginine 2410 with histidine.
Molecular consequence: missense variant.
Genome position (GRCh38, 1-based): chr7:128,855,292, G>A. VCF-style: chr7-128855292-G-A. GRCh37 (hg19) VCF-style: chr7-128495346-G-A.
Other names: c.7130G>A, p.Arg2377His (NM_001127487.2); short protein forms R2410H, R2377H.
Identifiers: ClinVar variation 472164 (VCV000472164.20), dbSNP rs558239439, ClinGen allele CA4476193.
Genomic context (GRCh38, chr7:128,855,292, plus strand): 5'-AGCACATCCCAGACAGCCCCTTTGTGGTGCCTGTGGCCTCCCTCTCGGATGACGCTCGCC[G>A]TCTCACTGTCACCAGCCTCCAGGTTTGTGCCCAGGGTGGGGGTGGAGGGTTTCTGCTATC-3'
Protein context (NP_001449.3, residues 2400-2420): PVASLSDDAR[Arg2410His]LTVTSLQETG